The following is an entry in ClinVar:

ClinVar aggregate classification (germline): Uncertain significance. Review status: criteria provided, single submitter (1 of 4 stars). 2 submissions from 2 submitters: Uncertain significance (1). 1 of the submissions does not count toward it. Last evaluated 2025-08-07.

Conditions:
TAF15-related disorder. Also called: TAF15-related condition.

gnomAD v4.1: 24 of 1,613,902 alleles (0.0015%); highest among the groups gnomAD compares: Non-Finnish European, 0.0017%; no homozygotes.

Submissions (2):

Mayo Clinic Laboratories, Mayo Clinic
Classification: Uncertain significance. Last evaluated: 2025-08-07. Review status: criteria provided, single submitter. Criteria: ACMG Guidelines, 2015. Collection method: clinical testing. Allele origin: germline. Observed: 1 variant allele.
Comment: BP4_moderate

PreventionGenetics, part of Exact Sciences
Classification: Uncertain significance for TAF15-related condition. Last evaluated: 2024-06-05. Review status: no assertion criteria provided. Collection method: clinical testing. Allele origin: germline. Not counted in ClinVar's aggregate classification.
Comment: The TAF15 c.1739G>A variant is predicted to result in the amino acid substitution p.Arg580Lys. To our knowledge, this variant has not been reported in the literature. This variant is reported in 0.0045% of alleles in individuals of European (Non-Finnish) descent in gnomAD. At this time, the clinical significance of this variant is uncertain due to the absence of conclusive functional and genetic evidence.

NM_139215.3(TAF15):c.1739G>A (p.Arg580Lys)

Gene: TAF15 (TATA-box binding protein associated factor 15; plus strand). Cytogenetic location: 17q12.
Variant type: single nucleotide variant.
Coding change: c.1739G>A on transcript NM_139215.3 (MANE Select); coding-DNA position 1739, G replaced by A.
Protein change: p.Arg580Lys; replaces arginine 580 with lysine.
Molecular consequence: missense variant.
Genome position (GRCh38, 1-based): chr17:35,845,038, G>A. VCF-style: chr17-35845038-G-A. GRCh37 (hg19) VCF-style: chr17-34172042-G-A.
Other names: p.Arg580Lys; c.1730G>A, p.Arg577Lys (NM_003487.4); short protein forms R577K, R580K.
Identifiers: ClinVar variation 3350971 (VCV003350971.2).